The following is an entry in ClinVar:

ClinVar aggregate classification (germline): Uncertain significance (1 of 4 stars; one submission).

Submission:

Ambry Genetics
Classification: Uncertain significance. Last evaluated: 2024-03-06. Review status: criteria provided, single submitter. Criteria: Ambry Variant Classification Scheme 2023. Collection method: clinical testing. Allele origin: germline.
Comment: The p.K559E variant (also known as c.1675A>G), located in coding exon 13 of the NPAT gene, results from an A to G substitution at nucleotide position 1675. The lysine at codon 559 is replaced by glutamic acid, an amino acid with similar properties. This amino acid position is conserved. In addition, this alteration is predicted to be tolerated by in silico analysis. Based on the available evidence, the clinical significance of this alteration remains unclear.

NM_002519.3(NPAT):c.1675A>G (p.Lys559Glu)

Gene: NPAT (nuclear protein, coactivator of histone transcription; minus strand). Cytogenetic location: 11q22.3.
Variant type: single nucleotide variant.
Coding change: c.1675A>G on transcript NM_002519.3 (MANE Select); coding-DNA position 1675, A replaced by G.
Protein change: p.Lys559Glu; replaces lysine 559 with glutamic acid.
Molecular consequence: missense variant.
Genome position (GRCh38, 1-based): chr11:108,173,309, T>C on the plus strand (A>G on the coding strand, the complement: NPAT is on the minus strand). VCF-style: chr11-108173309-T-C. GRCh37 (hg19) VCF-style: chr11-108044036-T-C.
Other names: c.1675A>G, p.Lys559Glu (NM_001321307.1); short protein forms K559E.
Identifiers: ClinVar variation 3222483 (VCV003222483.1), dbSNP rs2496720480, ClinGen allele CA382514613.
Genomic context (GRCh38, chr11:108,173,309, plus strand): 5'-TACTCTTGTGAACTTCACTAGAATCTGATGACTTGGAACCATGAAAATTAATTTTAAGTT[T>C]TACTGTATCATTAGAATTTTCACAAAATTGACTTTTTTTAGATGGCTTTCCAGTTAATGA-3'
Protein context (NP_002510.2, residues 549-569): QFCENSNDTV[Lys559Glu]LKINFHGSKS